The following is an entry in ClinVar:

ClinVar aggregate classification (germline): Uncertain significance. Review status: criteria provided, single submitter (1 of 4 stars). 2 submissions from 2 submitters: Uncertain significance (1). 1 of the submissions does not count toward it. Last evaluated 2026-01-24.

Conditions:
SERPINA1-related disorder. Also called: SerpinA1-related disorders; SERPINA1-related condition.
Alpha-1-antitrypsin deficiency (A1ATD). Also called: AAT deficiency; A1AT deficiency; Alpha1-Antitrypsin Deficiency. Identifiers: Orphanet 60, MedGen C0221757, MONDO:0013282, OMIM 613490.

Allele frequency attached by ClinVar (database versions not stated): ExAC 0.00004; gnomAD 0.00004; TOPMed 0.00004.

Submissions (2):

Labcorp Genetics (formerly Invitae), Labcorp
Classification: Uncertain significance for Alpha-1-antitrypsin deficiency. Last evaluated: 2026-01-24. Review status: criteria provided, single submitter. Criteria: Invitae Variant Classification Sherloc (09022015). Collection method: clinical testing. Allele origin: germline.
Comment: This sequence change replaces proline, which is neutral and non-polar, with threonine, which is neutral and polar, at codon 279 of the SERPINA1 protein (p.Pro279Thr). This variant is present in population databases (rs759736224, gnomAD 0.007%). This variant has not been reported in the literature in individuals affected with SERPINA1-related conditions. ClinVar contains an entry for this variant (Variation ID: 3058300). Invitae Evidence Modeling of protein sequence and biophysical properties (such as structural, functional, and spatial information, amino acid conservation, physicochemical variation, residue mobility, and thermodynamic stability) indicates that this missense variant is expected to disrupt SERPINA1 protein function with a positive predictive value of 80%. Experimental studies have shown that this missense change affects SERPINA1 function (PMID: 29882371). In summary, the available evidence is currently insufficient to determine the role of this variant in disease. Therefore, it has been classified as a Variant of Uncertain Significance.

PreventionGenetics, part of Exact Sciences
Classification: Uncertain significance for SERPINA1-related condition. Last evaluated: 2023-11-10. Review status: no assertion criteria provided. Collection method: clinical testing. Allele origin: germline. Not counted in ClinVar's aggregate classification.
Comment: The SERPINA1 c.835C>A variant is predicted to result in the amino acid substitution p.Pro279Thr. To our knowledge, this variant has not been reported in the literature. This variant is reported in 0.0079% of alleles in individuals of European (Non-Finnish) descent in gnomAD. At this time, the clinical significance of this variant is uncertain due to the absence of conclusive functional and genetic evidence.

Literature cited by the submitters: PubMed 29882371 (cited by Labcorp Genetics (formerly Invitae), Labcorp).

NM_000295.5(SERPINA1):c.835C>A (p.Pro279Thr)

Gene: SERPINA1 (serpin family A member 1; minus strand). Cytogenetic location: 14q32.13.
Variant type: single nucleotide variant.
Coding change: c.835C>A on transcript NM_000295.5 (MANE Select); coding-DNA position 835, C replaced by A.
Protein change: p.Pro279Thr; replaces proline 279 with threonine.
Molecular consequence: missense variant.
Genome position (GRCh38, 1-based): chr14:94,380,953, G>T on the plus strand (C>A on the coding strand, the complement: SERPINA1 is on the minus strand). VCF-style: chr14-94380953-G-T. GRCh37 (hg19) VCF-style: chr14-94847290-G-T.
Other names: c.835C>A, p.Pro279Thr (NM_001002235.3, NM_001002236.3, NM_001127700.2 and 7 more transcripts); short protein forms P279T.
Identifiers: ClinVar variation 3058300 (VCV003058300.3), dbSNP rs759736224, ClinGen allele CA7327396.